The following is an entry in ClinVar:

NM_001349253.2(SCN11A):c.886G>C (p.Ala296Pro)

Gene: SCN11A (sodium voltage-gated channel alpha subunit 11; minus strand). Cytogenetic location: 3p22.2.
Variant type: single nucleotide variant.
Coding change: c.886G>C on transcript NM_001349253.2 (MANE Select); coding-DNA position 886, G replaced by C.
Protein change: p.Ala296Pro; replaces alanine 296 with proline.
Molecular consequence: missense variant.
Genome position (GRCh38, 1-based): chr3:38,921,082, C>G on the plus strand (G>C on the coding strand, the complement: SCN11A is on the minus strand). VCF-style: chr3-38921082-C-G. GRCh37 (hg19) VCF-style: chr3-38962573-C-G.
Other names: c.886G>C, p.Ala296Pro (NM_014139.3); short protein forms A296P.
Identifiers: ClinVar variation 4874825 (VCV004874825.2).

ClinVar aggregate classification (germline): Uncertain significance (1 of 4 stars; one submission).

Submission:

CeGaT Center for Human Genetics Tuebingen
Classification: Uncertain significance. Last evaluated: 2026-04-01. Review status: criteria provided, single submitter. Criteria: CeGaT Center For Human Genetics Tuebingen Variant Classification Criteria Version 2. Collection method: clinical testing. Allele origin: germline. Affected: yes. Observed: 1 variant allele.
Comment: SCN11A: PM2, PS2:Moderate